The following is an entry in ClinVar:

ClinVar aggregate classification (germline): Pathogenic/Likely pathogenic. Review status: criteria provided, multiple submitters, no conflicts (2 of 4 stars). 3 submissions from 3 submitters: Pathogenic (2); Likely pathogenic (1). Last evaluated 2023-12-01.

Conditions:
Developmental and epileptic encephalopathy, 62. Also called: Early infantile epileptic encephalopathy 62. Identifiers: MedGen C4693699, MONDO:0033371, OMIM 617938.
Congenital bilateral perisylvian syndrome. Also called: Bilateral perisylvian polymicrogyria; Perisylvian syndrome. Identifiers: Orphanet 98889, MedGen C1845668, MONDO:0020340, HP:0032407.

Allele frequency attached by ClinVar (database versions not stated): gnomAD exomes below 0.00001.

Submissions (4):

Center for Statistical Genetics, Columbia University
Classification: Pathogenic for Congenital bilateral perisylvian syndrome. Last evaluated: 2023-12-01. Review status: criteria provided, single submitter. Criteria: ACMG Guidelines, 2015. Collection method: research. Allele origin: de novo. Affected: yes.

Institute of Human Genetics, University of Leipzig Medical Center
Classification: Likely pathogenic for Developmental and epileptic encephalopathy, 62. Last evaluated: 2021-12-21. Review status: criteria provided, single submitter. Criteria: ACMG Guidelines, 2015. Collection method: research. Allele origin: de novo. Affected: yes.

GeneDx
Classification: Pathogenic. Last evaluated: 2020-06-05. Review status: criteria provided, single submitter. Criteria: GeneDx Variant Classification Process June 2021. Collection method: clinical testing. Allele origin: germline. Affected: yes.
Comment: Not observed at a significant frequency in large population cohorts (Lek et al., 2016); In silico analysis supports that this missense variant has a deleterious effect on protein structure/function; Has not been previously published as pathogenic or benign to our knowledge; This variant is associated with the following publications: (PMID: 31618753, 32515017)

Channelopathy-Associated Epilepsy Research Center
No classification provided (evidence only). Condition: Developmental and epileptic encephalopathy. Review status: no classification provided. Collection method: literature only. Allele origin: not applicable. Functional consequence: Normal peak current, Normal slope of activation, Normal slope of fast inactivation, Normal voltage dependence of fast inactivation, Moderate hyperpolarizing shift of voltage dependence of activation, Severe increase in persistent current, Moderate slowing of fast inactivation, Overall gain-of-function. Not counted in ClinVar's aggregate classification.
ClinVar note: "not provided" was previously submitted as the classification for the variant. However, the classification appeared to be based only on an observation of functional data so it was converted to no classification on 2025-07-30.

Literature cited by the submitters: PubMed 32515017 (cited by Institute of Human Genetics, University of Leipzig Medical Center and Channelopathy-Associated Epilepsy Research Center).

NM_006922.4(SCN3A):c.4862G>A (p.Arg1621Gln)

Gene: SCN3A (sodium voltage-gated channel alpha subunit 3; minus strand). Cytogenetic location: 2q24.3.
Variant type: single nucleotide variant.
Coding change: c.4862G>A on transcript NM_006922.4 (MANE Select); coding-DNA position 4862, G replaced by A.
Protein change: p.Arg1621Gln; replaces arginine 1621 with glutamine.
Molecular consequence: missense variant.
Genome position (GRCh38, 1-based): chr2:165,091,291, C>T on the plus strand (G>A on the coding strand, the complement: SCN3A is on the minus strand). VCF-style: chr2-165091291-C-T. GRCh37 (hg19) VCF-style: chr2-165947801-C-T.
Other names: c.4715G>A, p.Arg1572Gln (NM_001081676.2, NM_001081677.2); short protein forms R1621Q, R1572Q.
Identifiers: ClinVar variation 432534 (VCV000432534.7), dbSNP rs1199412903, ClinGen allele CA349018276.